The following is an entry in ClinVar:

ClinVar aggregate classification (germline): Pathogenic/Likely pathogenic. Review status: criteria provided, multiple submitters, no conflicts (2 of 4 stars). 6 submissions from 6 submitters: Pathogenic (3); Likely pathogenic (2). 1 of the submissions does not count toward it. Last evaluated 2026-01-01.

Conditions:
Hypophosphatasia. Also called: Phosphoethanol-aminuria. Identifiers: Orphanet 436, MedGen C0020630, MeSH D007014, MONDO:0018570.
Adult hypophosphatasia. Identifiers: Orphanet 247676, Orphanet 436, MedGen C0268413, MONDO:1010154, OMIM 146300, MONDO:0007798.
Infantile hypophosphatasia. Identifiers: Orphanet 247651, Orphanet 436, MedGen C0268412, MONDO:1010169, OMIM 241500, MONDO:0009427.
Childhood hypophosphatasia. Identifiers: Orphanet 247667, Orphanet 436, MedGen C0220743, MONDO:1010168, OMIM 241510, MONDO:0009428.

Allele frequency attached by ClinVar (database versions not stated): gnomAD exomes below 0.00001; TOPMed 0.00001.
gnomAD v4.1: 2 of 1,606,918 alleles (0.00012%); highest among the groups gnomAD compares: South Asian, 0.0011%; no homozygotes.

Submissions (6):

CeGaT Center for Human Genetics Tuebingen
Classification: Likely pathogenic. Last evaluated: 2026-01-01. Review status: criteria provided, single submitter. Criteria: CeGaT Center For Human Genetics Tuebingen Variant Classification Criteria Version 2. Collection method: clinical testing. Allele origin: germline. Affected: yes. Observed: 1 variant allele.
Comment: ALPL: PM2, PM3, PP3, PP4

Genomenon, Inc
Classification: Likely pathogenic for Hypophosphatasia. Last evaluated: 2025-08-29. Review status: criteria provided, single submitter. Criteria: Genomenon Sequence Variant Interpretation Standards. Collection method: curation. Allele origin: germline. Affected: yes.
Comment: ALPL Ala487Val (c.1460C>T) is a missense variant that changes the amino acid at residue 487 from Alanine to Valine. This variant has been observed in at least one proband affected with hypophosphatasia (PMID:31077853;28763161;26432670). It is absent or not present at a significant frequency in gnomAD. In silico models agree that this variant is possibly or probably damaging. In conclusion, we classify ALPL p.Ala487Val (c.1460C>T) as a likely pathogenic variant.

Baylor Genetics
Classification: Pathogenic for Adult hypophosphatasia. Last evaluated: 2024-03-29. Review status: criteria provided, single submitter. Criteria: ACMG Guidelines, 2015. Collection method: clinical testing. Allele origin: unknown.

Labcorp Genetics (formerly Invitae), Labcorp
Classification: Pathogenic. Last evaluated: 2024-01-08. Review status: criteria provided, single submitter. Criteria: Invitae Variant Classification Sherloc (09022015). Collection method: clinical testing. Allele origin: germline.
Comment: This sequence change replaces alanine, which is neutral and non-polar, with valine, which is neutral and non-polar, at codon 487 of the ALPL protein (p.Ala487Val). This variant is not present in population databases (gnomAD no frequency). This missense change has been observed in individual(s) with autosomal recessive hypophosphatasia (PMID: 26432670, 28763161, 31077853). In at least one individual the data is consistent with being in trans (on the opposite chromosome) from a pathogenic variant. ClinVar contains an entry for this variant (Variation ID: 556895). Advanced modeling of protein sequence and biophysical properties (such as structural, functional, and spatial information, amino acid conservation, physicochemical variation, residue mobility, and thermodynamic stability) performed at Invitae indicates that this missense variant is expected to disrupt ALPL protein function with a positive predictive value of 95%. Algorithms developed to predict the effect of sequence changes on RNA splicing suggest that this variant may create or strengthen a splice site. For these reasons, this variant has been classified as Pathogenic.

Center of Excellence in Precision Medicine and Digital Health (CEPMDH), Faculty of Dentistry, Chulalongkorn University
Classification: Pathogenic for Childhood hypophosphatasia. Review status: criteria provided, single submitter. Criteria: ACMG Guidelines, 2015. Collection method: clinical testing. Allele origin: maternal, germline. Inheritance: Autosomal recessive inheritance. Affected: yes and no. Observed: 2 variant alleles, 1 heterozygote, 1 compound heterozygote.
Comment: Both altered amino acid positions are highly conserved among species.

Counsyl
Classification: Uncertain significance for Infantile hypophosphatasia. Last evaluated: 2018-02-28. Review status: no assertion criteria provided. Collection method: clinical testing. Allele origin: unknown. Not counted in ClinVar's aggregate classification.

Literature cited by the submitters: PubMed 31077853 (cited by Genomenon, Inc and Labcorp Genetics (formerly Invitae), Labcorp); PubMed 28763161 (cited by 4 submitters); PubMed 26432670 (cited by 3 submitters).

NM_000478.6(ALPL):c.1460C>T (p.Ala487Val)

Gene: ALPL (alkaline phosphatase, biomineralization associated; plus strand). Cytogenetic location: 1p36.12.
Variant type: single nucleotide variant.
Coding change: c.1460C>T on transcript NM_000478.6 (MANE Select); coding-DNA position 1460, C replaced by T.
Protein change: p.Ala487Val; replaces alanine 487 with valine.
Molecular consequence: missense variant.
Genome position (GRCh38, 1-based): chr1:21,577,533, C>T. VCF-style: chr1-21577533-C-T. GRCh37 (hg19) VCF-style: chr1-21904026-C-T.
Other names: c.1295C>T, p.Ala432Val (NM_001127501.4); c.1229C>T, p.Ala410Val (NM_001177520.3); c.1460C>T, p.Ala487Val (NM_001369803.2, NM_001369804.2, NM_001369805.2); short protein forms A487V, A432V, A410V.
Identifiers: ClinVar variation 556895 (VCV000556895.17), dbSNP rs1229517379, ClinGen allele CA338882285.